The following is an entry in ClinVar:

NM_052947.4(ALPK2):c.5108C>T (p.Thr1703Ile)

Genes: ALPK2 (alpha kinase 2; minus strand), LOC130062577 (ATAC-STARR-seq lymphoblastoid active region 13389; plus strand). Cytogenetic location: 18q21.31.
Variant type: single nucleotide variant.
Coding change: c.5108C>T on transcript NM_052947.4 (MANE Select); coding-DNA position 5108, C replaced by T.
Protein change: p.Thr1703Ile; replaces threonine 1703 with isoleucine.
Molecular consequence: missense variant.
Genome position (GRCh38, 1-based): chr18:58,535,079, G>A on the plus strand (C>T on the coding strand, the complement: ALPK2 is on the minus strand). VCF-style: chr18-58535079-G-A. GRCh37 (hg19) VCF-style: chr18-56202311-G-A.
Other names: short protein forms T1703I.
Identifiers: ClinVar variation 3290775 (VCV003290775.1).

ClinVar aggregate classification (germline): Uncertain significance (1 of 4 stars; one submission).

gnomAD v4.1: 1 of 1,614,096 alleles (0.000062%); highest among the groups gnomAD compares: East Asian, 0.0022%; no homozygotes.

Submission:

Ambry Genetics
Classification: Uncertain significance. Last evaluated: 2024-06-16. Review status: criteria provided, single submitter. Criteria: Ambry Variant Classification Scheme 2023. Collection method: clinical testing. Allele origin: germline.
Comment: The p.T1703I variant (also known as c.5108C>T), located in coding exon 4 of the ALPK2 gene, results from a C to T substitution at nucleotide position 5108. The threonine at codon 1703 is replaced by isoleucine, an amino acid with similar properties. This amino acid position is conserved. In addition, this alteration is predicted to be tolerated by in silico analysis. Based on the available evidence, the clinical significance of this variant remains unclear.